The following is an entry in ClinVar:

ClinVar aggregate classification (germline): Conflicting classifications of pathogenicity. Review status: criteria provided, conflicting classifications (1 of 4 stars). 2 submissions from 2 submitters: Likely pathogenic (1); Uncertain significance (1). Last evaluated 2024-08-13.

Conditions:
Very long chain acyl-CoA dehydrogenase deficiency (ACADVLD). Also called: Very Long-Chain Acyl-Coenzyme A Dehydrogenase Deficiency; VLCAD Deficiency. Identifiers: Orphanet 26793, MedGen C3887523, MONDO:0008723, OMIM 201475.

Submissions (2):

Labcorp Genetics (formerly Invitae), Labcorp
Classification: Likely pathogenic for Very long chain acyl-CoA dehydrogenase deficiency. Last evaluated: 2024-08-13. Review status: criteria provided, single submitter. Criteria: Invitae Variant Classification Sherloc (09022015). Collection method: clinical testing. Allele origin: germline.
Comment: This sequence change replaces glutamic acid, which is acidic and polar, with lysine, which is basic and polar, at codon 462 of the ACADVL protein (p.Glu462Lys). This variant is not present in population databases (gnomAD no frequency). This missense change has been observed in individual(s) with very-long-chain acyl–coenzyme A dehydrogenase deficiency (PMID: 17999356). ClinVar contains an entry for this variant (Variation ID: 994035). Advanced modeling of protein sequence and biophysical properties (such as structural, functional, and spatial information, amino acid conservation, physicochemical variation, residue mobility, and thermodynamic stability) performed at Invitae indicates that this missense variant is expected to disrupt ACADVL protein function with a positive predictive value of 95%. In summary, the currently available evidence indicates that the variant is pathogenic, but additional data are needed to prove that conclusively. Therefore, this variant has been classified as Likely Pathogenic.

ARUP Laboratories, Molecular Genetics and Genomics, ARUP Laboratories
Classification: Uncertain significance for Very long chain acyl-CoA dehydrogenase deficiency. Last evaluated: 2020-02-27. Review status: criteria provided, single submitter. Criteria: ARUP Molecular Germline Variant Investigation Process. Collection method: clinical testing. Allele origin: germline.
Comment: The ACADVL c.1384G>A; p.Glu462Lys variant, to our knowledge, is not reported in the medical literature or gene specific databases. This variant is also absent from general population databases (Exome Variant Server, Genome Aggregation Database), indicating it is not a common polymorphism. The glutamic acid at codon 462 is highly conserved, and computational analyses (SIFT, PolyPhen-2) predict that this variant is deleterious. Due to limited information, the clinical significance of the p.Glu462Lys variant is uncertain at this time.

Literature cited by the submitters: PubMed 17999356 (cited by Labcorp Genetics (formerly Invitae), Labcorp).

NM_000018.4(ACADVL):c.1384G>A (p.Glu462Lys)

Gene: ACADVL (acyl-CoA dehydrogenase very long chain; plus strand). Cytogenetic location: 17p13.1.
Variant type: single nucleotide variant.
Coding change: c.1384G>A on transcript NM_000018.4 (MANE Select); coding-DNA position 1384, G replaced by A.
Protein change: p.Glu462Lys; replaces glutamic acid 462 with lysine.
Molecular consequence: missense variant.
Genome position (GRCh38, 1-based): chr17:7,224,019, G>A. VCF-style: chr17-7224019-G-A. GRCh37 (hg19) VCF-style: chr17-7127338-G-A.
Other names: c.1318G>A, p.Glu440Lys (NM_001033859.3); c.1453G>A, p.Glu485Lys (NM_001270447.2); c.1156G>A, p.Glu386Lys (NM_001270448.2); short protein forms E386K, E440K, E462K, E485K.
Identifiers: ClinVar variation 994035 (VCV000994035.11), dbSNP rs2071355499, ClinGen allele CA397724999.